The following is an entry in ClinVar:

NM_032242.4(PLXNA1):c.2432C>T (p.Ala811Val)

Gene: PLXNA1 (plexin A1; plus strand). Cytogenetic location: 3q21.3.
Variant type: single nucleotide variant.
Coding change: c.2432C>T on transcript NM_032242.4 (MANE Select); coding-DNA position 2432, C replaced by T.
Protein change: p.Ala811Val; replaces alanine 811 with valine.
Molecular consequence: missense variant.
Genome position (GRCh38, 1-based): chr3:127,014,203, C>T. VCF-style: chr3-127014203-C-T. GRCh37 (hg19) VCF-style: chr3-126733046-C-T.
Other names: short protein forms A811V.
Identifiers: ClinVar variation 3348532 (VCV003348532.3).

ClinVar aggregate classification (germline): Uncertain significance. Review status: criteria provided, multiple submitters, no conflicts (2 of 4 stars). 2 submissions from 2 submitters: Uncertain significance (2). Last evaluated 2025-09-10.

Conditions:
PLXNA1-related disorder. Also called: PLXNA1-related condition.

gnomAD v4.1: 24 of 1,608,856 alleles (0.0015%); highest among the groups gnomAD compares: African/African-American, 0.027%; no homozygotes.

Submissions (2):

PreventionGenetics, part of Exact Sciences
Classification: Uncertain significance for PLXNA1-related condition. Last evaluated: 2025-09-10. Review status: criteria provided, single submitter. Criteria: ACMG Guidelines, 2015. Collection method: clinical testing. Allele origin: germline.
Comment: The PLXNA1 c.2432C>T variant is predicted to result in the amino acid substitution p.Ala811Val. To our knowledge, this variant has not been reported in the literature. This variant is reported in 0.021% of alleles in individuals of African descent in gnomAD. At this time, the clinical significance of this variant is uncertain due to the absence of conclusive functional and genetic evidence.

Ambry Genetics
Classification: Uncertain significance. Last evaluated: 2025-01-18. Review status: criteria provided, single submitter. Criteria: Ambry Variant Classification Scheme 2023. Collection method: clinical testing. Allele origin: germline.